The following is an entry in ClinVar:

ClinVar aggregate classification (germline): Uncertain significance. Review status: criteria provided, multiple submitters, no conflicts (2 of 4 stars). 4 submissions from 4 submitters: Uncertain significance (4). Last evaluated 2025-06-11.

Conditions:
Cardiovascular phenotype. Identifiers: MedGen CN230736.
Dilated cardiomyopathy 1JJ (CMD1JJ). Identifiers: Orphanet 154, MedGen C3808935, MONDO:0014095, OMIM 615235.

Allele frequency attached by ClinVar (database versions not stated): gnomAD exomes below 0.00001 and 0.00001; gnomAD 0.00003; TOPMed 0.00009.
gnomAD v4.1: 11 of 1,613,882 alleles (0.00068%); highest among the groups gnomAD compares: Middle Eastern, 0.016%; no homozygotes.

Submissions (4):

Labcorp Genetics (formerly Invitae), Labcorp
Classification: Uncertain significance for Dilated cardiomyopathy 1JJ. Last evaluated: 2025-06-11. Review status: criteria provided, single submitter. Criteria: Invitae Variant Classification Sherloc (09022015). Collection method: clinical testing. Allele origin: germline.
Comment: This sequence change replaces lysine, which is basic and polar, with glutamine, which is neutral and polar, at codon 315 of the LAMA4 protein (p.Lys315Gln). This variant is present in population databases (no rsID available, gnomAD 0.01%). This variant has not been reported in the literature in individuals affected with LAMA4-related conditions. ClinVar contains an entry for this variant (Variation ID: 618699). An algorithm developed to predict the effect of missense changes on protein structure and function (PolyPhen-2) suggests that this variant is likely to be tolerated. In summary, the available evidence is currently insufficient to determine the role of this variant in disease. Therefore, it has been classified as a Variant of Uncertain Significance.

Ambry Genetics
Classification: Uncertain significance for Cardiovascular phenotype. Last evaluated: 2022-11-30. Review status: criteria provided, single submitter. Criteria: Ambry Variant Classification Scheme 2023. Collection method: clinical testing. Allele origin: germline.

Fulgent Genetics
Classification: Uncertain significance for Dilated cardiomyopathy 1JJ. Last evaluated: 2021-10-30. Review status: criteria provided, single submitter. Criteria: ACMG Guidelines, 2015. Collection method: clinical testing. Allele origin: unknown.

ARUP Laboratories, Molecular Genetics and Genomics, ARUP Laboratories
Classification: Uncertain significance. Last evaluated: 2017-12-20. Review status: criteria provided, single submitter. Criteria: ARUP Molecular Germline Variant Investigation Process. Collection method: clinical testing. Allele origin: germline.
Comment: The p.Lys315Gln variant has not been reported in the medical literature, gene specific variation databases, nor has it been previously identified by our laboratory. This variant is listed in the Genome Aggregation Database (gnomAD) with a frequency of 0.01 percent in the African population (identified on 3 out of 24,010 chromosomes).The lysine at position 315 is weakly conserved considering 12 species (Alamut v2.10) and computational analyses of the p.Lys315Gln variant on protein structure and function indicate a neutral effect (SIFT: tolerated, MutationTaster: polymorphism, PolyPhen-2: benign). Altogether, there is not enough evidence to classify the p.Lys315Gln variant with certainty.

NM_001105206.3(LAMA4):c.964A>C (p.Lys322Gln)

Gene: LAMA4 (laminin subunit alpha 4; minus strand). Cytogenetic location: 6q21.
Variant type: single nucleotide variant.
Coding change: c.964A>C on transcript NM_001105206.3 (MANE Select); coding-DNA position 964, A replaced by C.
Protein change: p.Lys322Gln; replaces lysine 322 with glutamine.
Molecular consequence: missense variant.
Genome position (GRCh38, 1-based): chr6:112,187,452, T>G on the plus strand (A>C on the coding strand, the complement: LAMA4 is on the minus strand). VCF-style: chr6-112187452-T-G. GRCh37 (hg19) VCF-style: chr6-112508654-T-G.
Other names: c.943A>C, p.Lys315Gln (NM_001105207.3, NM_002290.5); short protein forms K315Q, K322Q.
Identifiers: ClinVar variation 618699 (VCV000618699.16), dbSNP rs1375382054, ClinGen allele CA365375836.